The following is an entry in ClinVar:

ClinVar aggregate classification (germline): Benign/Likely benign. Review status: criteria provided, multiple submitters, no conflicts (2 of 4 stars). 7 submissions from 7 submitters: Benign (3); Likely benign (2). 2 of the submissions do not count toward it. Last evaluated 2026-02-02.

Conditions:
Dilated cardiomyopathy 1KK (CMD1KK). Identifiers: Orphanet 154, Orphanet 75249, MedGen C3714995, MONDO:0014100, OMIM 615248.

Allele frequency attached by ClinVar (database versions not stated): gnomAD exomes 0.00017 and 0.00047; ExAC 0.00058; gnomAD 0.00150 and 0.00157; ESP Exome Variant Server 0.00161; TOPMed 0.00178; 1000 Genomes Project 0.00300; 1000 Genomes Project 30x 0.00359.
gnomAD v4.1: 506 of 1,605,916 alleles (0.032%); highest among the groups gnomAD compares: African/African-American, 0.56%; 1 homozygote.

Submissions (7):

Labcorp Genetics (formerly Invitae), Labcorp
Classification: Benign for Dilated cardiomyopathy 1KK. Last evaluated: 2026-02-02. Review status: criteria provided, single submitter. Criteria: Invitae Variant Classification Sherloc (09022015). Collection method: clinical testing. Allele origin: germline.

Women's Health and Genetics/Laboratory Corporation of America, LabCorp
Classification: Likely benign. Last evaluated: 2025-06-20. Review status: criteria provided, single submitter. Criteria: LabCorp Variant Classification Summary - May 2015. Collection method: clinical testing. Allele origin: germline.

Blueprint Genetics
Classification: Likely benign. Last evaluated: 2024-10-22. Review status: criteria provided, single submitter. Criteria: ACMG Guidelines, 2015. Collection method: clinical testing. Allele origin: germline.

Genome Diagnostics Laboratory, University Medical Center Utrecht
Classification: Benign for Dilated cardiomyopathy 1KK. Last evaluated: 2017-10-13. Review status: criteria provided, single submitter. Criteria: ACGS Guidelines, 2013. Collection method: clinical testing. Allele origin: germline. Affected: yes. Study: VKGL Data-share Consensus.

GeneDx
Classification: Benign. Last evaluated: 2014-10-08. Review status: criteria provided, single submitter. Criteria: GeneDx Variant Classification (06012015). Collection method: clinical testing. Allele origin: germline. Affected: yes.
Comment: This variant is considered likely benign or benign based on one or more of the following criteria: it is a conservative change, it occurs at a poorly conserved position in the protein, it is predicted to be benign by multiple in silico algorithms, and/or has population frequency not consistent with disease.

Clinical Genetics, Academic Medical Center
Classification: Benign. Review status: no assertion criteria provided. Collection method: clinical testing. Allele origin: germline. Affected: yes. Study: VKGL Data-share Consensus. Not counted in ClinVar's aggregate classification.

Diagnostic Laboratory, Department of Genetics, University Medical Center Groningen
Classification: Likely benign for Dilated cardiomyopathy 1KK. Review status: no assertion criteria provided. Collection method: clinical testing. Allele origin: germline. Affected: yes. Study: VKGL Data-share Consensus. Not counted in ClinVar's aggregate classification.

NM_032578.4(MYPN):c.1246-19G>A

Gene: MYPN (myopalladin; plus strand). Cytogenetic location: 10q21.3.
Variant type: single nucleotide variant.
Coding change: c.1246-19G>A on transcript NM_032578.4 (MANE Select); 19 bases into the intron before coding-DNA position 1246, G replaced by A.
Molecular consequence: intron variant.
Genome position (GRCh38, 1-based): chr10:68,150,021, G>A. VCF-style: chr10-68150021-G-A. GRCh37 (hg19) VCF-style: chr10-69909778-G-A.
Other names: c.1246-19G>A (NM_001256267.2); c.364-19G>A (NM_001256268.2).
Identifiers: ClinVar variation 201869 (VCV000201869.14), dbSNP rs75739924, ClinGen allele CA335269.